The following is an entry in ClinVar:

ClinVar aggregate classification (germline): Uncertain significance (1 of 4 stars; one submission).

Submission:

GeneDx
Classification: Uncertain significance. Last evaluated: 2017-10-18. Review status: criteria provided, single submitter. Criteria: GeneDx Variant Classification (06012015). Collection method: clinical testing. Allele origin: germline. Affected: yes.
Comment: A variant of uncertain significance has been identified in the ACTN2 gene. The Q498X variant has not been published as pathogenic or been reported as benign to our knowledge. This variant is not observed in large population cohorts (Lek et al., 2016). The Q498X variant is predicted to cause loss of normal protein function either by protein truncation or nonsense-mediated mRNA decay. However, the majority of pathogenic variants in ACTN2 gene reported in the Human Gene Mutation Database are missense changes (Stenson et al., 2014), indicating haploinsufficiency of ACTN2 may not be sufficient to cause cardiomyopathy.

NM_001103.4(ACTN2):c.1492C>T (p.Gln498Ter)

Gene: ACTN2 (actinin alpha 2; plus strand). Cytogenetic location: 1q43.
Variant type: single nucleotide variant.
Coding change: c.1492C>T on transcript NM_001103.4 (MANE Select); coding-DNA position 1492, C replaced by T.
Protein change: p.Gln498Ter; replaces glutamine 498 with a stop codon.
Molecular consequence: nonsense.
Genome position (GRCh38, 1-based): chr1:236,747,752, C>T. VCF-style: chr1-236747752-C-T. GRCh37 (hg19) VCF-style: chr1-236911052-C-T.
Other names: c.1492C>T, p.Gln498Ter (NM_001278343.2); c.868C>T, p.Gln290Ter (NM_001278344.2); short protein forms Q498*, Q290*.
Identifiers: ClinVar variation 452904 (VCV000452904.2), dbSNP rs1553303445, ClinGen allele CA345384163.
Genomic context (GRCh38, chr1:236,747,752, plus strand): 5'-AATGTCAATGATCGGTGCCAGAAAATTTGTGACCAGTGGGACCGACTGGGAACGCTTACT[C>T]AGAAGAGGAGAGAAGCCCTAGAGGTGAAGTATTGAAGCCACTTGTTGACATGAAATCTTT-3'